The following is an entry in ClinVar:

NM_000088.4(COL1A1):c.796G>C (p.Gly266Arg)

Genes: COL1A1 (collagen type I alpha 1 chain; minus strand), LOC126862586 (CDK7 strongly-dependent group 2 enhancer GRCh37_chr17:48273702-48274901; plus strand). Cytogenetic location: 17q21.33.
Variant type: single nucleotide variant.
Coding change: c.796G>C on transcript NM_000088.4 (MANE Select); coding-DNA position 796, G replaced by C.
Protein change: p.Gly266Arg; replaces glycine 266 with arginine.
Molecular consequence: missense variant.
Genome position (GRCh38, 1-based): chr17:50,197,018, C>G on the plus strand (G>C on the coding strand, the complement: COL1A1 is on the minus strand). VCF-style: chr17-50197018-C-G. GRCh37 (hg19) VCF-style: chr17-48274379-C-G.
Other names: short protein forms G266R.
Identifiers: ClinVar variation 456797 (VCV000456797.11), dbSNP rs1555574493, ClinGen allele CA400223710.

ClinVar aggregate classification (germline): Pathogenic (1 of 4 stars; one submission).

Conditions:
Osteogenesis imperfecta type I (OI1). Also called: OI, TYPE I; OSTEOGENESIS IMPERFECTA TARDA; OSTEOGENESIS IMPERFECTA WITH BLUE SCLERAE; Osteogenesis imperfecta type 1; Lobstein's Disease; Lobstein disease. Identifiers: Orphanet 216796, Orphanet 666, MedGen C0023931, MONDO:0008146, OMIM 166200. Disease mechanism: loss of function.

Submission:

Labcorp Genetics (formerly Invitae), Labcorp
Classification: Pathogenic for Osteogenesis imperfecta type I. Last evaluated: 2019-05-10. Review status: criteria provided, single submitter. Criteria: Invitae Variant Classification Sherloc (09022015). Collection method: clinical testing. Allele origin: germline.
Comment: This sequence change replaces glycine with arginine at codon 266 of the COL1A1 protein (p.Gly266Arg). The glycine residue is highly conserved and there is a moderate physicochemical difference between glycine and arginine. This variant is not present in population databases (ExAC no frequency). This variant has been observed in individuals with clinical features of osteogenesis imperfecta (PMID: 27090748, Invitae). ClinVar contains an entry for this variant (Variation ID: 456797). This variant disrupts the p.Gly266 amino acid residue in COL1A1. Other variant(s) that disrupt this residue have been observed in individuals with COL1A1-related conditions (PMID: 15728585), which suggests that this may be a clinically significant amino acid residue. For these reasons, this variant has been classified as Pathogenic. Glycine residues within the Gly-Xaa-Yaa repeats of the triple helix domain are required for the structure and stability of fibrillar collagens (PMID: 7695699, 8218237, 19344236). In COL1A1, variants affecting these glycine residues are significantly enriched in individuals with disease (PMID: 9016532, 17078022) compared to the general population (ExAC).

Literature cited by the submitters: PubMed 27090748; PubMed 15728585; PubMed 7695699; PubMed 8218237; PubMed 19344236; PubMed 9016532; PubMed 17078022.